The following is an entry in ClinVar:

NM_022168.4(IFIH1):c.467A>C (p.Glu156Ala)

Gene: IFIH1 (interferon induced with helicase C domain 1; minus strand). Cytogenetic location: 2q24.2.
Variant type: single nucleotide variant.
Coding change: c.467A>C on transcript NM_022168.4 (MANE Select); coding-DNA position 467, A replaced by C.
Protein change: p.Glu156Ala; replaces glutamic acid 156 with alanine.
Molecular consequence: missense variant.
Genome position (GRCh38, 1-based): chr2:162,310,920, T>G on the plus strand (A>C on the coding strand, the complement: IFIH1 is on the minus strand). VCF-style: chr2-162310920-T-G. GRCh37 (hg19) VCF-style: chr2-163167430-T-G.
Other names: short protein forms E156A.
Identifiers: ClinVar variation 1018130 (VCV001018130.8), dbSNP rs144853750, ClinGen allele CA1934796.

ClinVar aggregate classification (germline): Uncertain significance (1 of 4 stars; one submission).

Conditions:
Singleton-Merten syndrome 1 (SGMRT1). Also called: Widened medullary cavities of bone, aortic calcification, abnormal dentition, and muscular weakness; Syndrome of widened medullary cavities of the metacarpals and phalanges, aortic calcification and abnormal dentition. Identifiers: Orphanet 85191, MedGen C4225427, MONDO:0024535, OMIM 182250.
Aicardi-Goutieres syndrome 7 (AGS7). Identifiers: Orphanet 51, MedGen C3888244, MONDO:0014367, OMIM 615846.

Allele frequency attached by ClinVar (database versions not stated): gnomAD exomes 0.00001; ExAC 0.00003; gnomAD 0.00003 and 0.00004; TOPMed 0.00003; ESP Exome Variant Server 0.00015.
gnomAD v4.1: 5 of 1,612,838 alleles (0.00031%); highest among the groups gnomAD compares: African/African-American, 0.0067%; no homozygotes.

Submission:

Labcorp Genetics (formerly Invitae), Labcorp
Classification: Uncertain significance for Aicardi-Goutieres syndrome 7; Singleton-Merten syndrome 1. Last evaluated: 2024-12-03. Review status: criteria provided, single submitter. Criteria: Invitae Variant Classification Sherloc (09022015). Collection method: clinical testing. Allele origin: germline.
Comment: This sequence change replaces glutamic acid, which is acidic and polar, with alanine, which is neutral and non-polar, at codon 156 of the IFIH1 protein (p.Glu156Ala). This variant is present in population databases (rs144853750, gnomAD 0.02%). This variant has not been reported in the literature in individuals affected with IFIH1-related conditions. ClinVar contains an entry for this variant (Variation ID: 1018130). An algorithm developed to predict the effect of missense changes on protein structure and function outputs the following: PolyPhen-2: "Benign". The alanine amino acid residue is found in multiple mammalian species, which suggests that this missense change does not adversely affect protein function. In summary, the available evidence is currently insufficient to determine the role of this variant in disease. Therefore, it has been classified as a Variant of Uncertain Significance.